The following is an entry in ClinVar:

NM_001457.4(FLNB):c.271A>G (p.Ser91Gly)

Gene: FLNB (filamin B; plus strand). Cytogenetic location: 3p14.3.
Variant type: single nucleotide variant.
Coding change: c.271A>G on transcript NM_001457.4 (MANE Select); coding-DNA position 271, A replaced by G.
Protein change: p.Ser91Gly; replaces serine 91 with glycine.
Molecular consequence: missense variant.
Genome position (GRCh38, 1-based): chr3:58,008,835, A>G. VCF-style: chr3-58008835-A-G. GRCh37 (hg19) VCF-style: chr3-57994562-A-G.
Other names: c.271A>G, p.Ser91Gly (NM_001164317.2, NM_001164318.2, NM_001164319.2); short protein forms S91G.
Identifiers: ClinVar variation 1060773 (VCV001060773.5), dbSNP rs2106655664, ClinGen allele CA353413364.

ClinVar aggregate classification (germline): Uncertain significance (1 of 4 stars; one submission).

Submission:

Labcorp Genetics (formerly Invitae), Labcorp
Classification: Uncertain significance. Last evaluated: 2020-05-04. Review status: criteria provided, single submitter. Criteria: Invitae Variant Classification Sherloc (09022015). Collection method: clinical testing. Allele origin: germline.
Comment: In summary, the available evidence is currently insufficient to determine the role of this variant in disease. Therefore, it has been classified as a Variant of Uncertain Significance. Algorithms developed to predict the effect of missense changes on protein structure and function are either unavailable or do not agree on the potential impact of this missense change (SIFT: "Deleterious"; PolyPhen-2: "Benign"; Align-GVGD: "Class C0"). This variant has not been reported in the literature in individuals with FLNB-related conditions. This variant is not present in population databases (ExAC no frequency). This sequence change replaces serine with glycine at codon 91 of the FLNB protein (p.Ser91Gly). The serine residue is highly conserved and there is a small physicochemical difference between serine and glycine.